The following is an entry in ClinVar:

NM_002439.5(MSH3):c.1787C>T (p.Ala596Val)

Gene: MSH3 (mutS homolog 3; plus strand). Cytogenetic location: 5q14.1.
Variant type: single nucleotide variant.
Coding change: c.1787C>T on transcript NM_002439.5 (MANE Select); coding-DNA position 1787, C replaced by T.
Protein change: p.Ala596Val; replaces alanine 596 with valine.
Molecular consequence: missense variant.
Genome position (GRCh38, 1-based): chr5:80,761,569, C>T. VCF-style: chr5-80761569-C-T. GRCh37 (hg19) VCF-style: chr5-80057388-C-T.
Other names: c.1787C>T (NM_002439.3); short protein forms A596V.
Identifiers: ClinVar variation 1485339 (VCV001485339.10), dbSNP rs148162799, ClinGen allele CA3328046.

ClinVar aggregate classification (germline): Uncertain significance. Review status: criteria provided, multiple submitters, no conflicts (2 of 4 stars). 2 submissions from 2 submitters: Uncertain significance (2). Last evaluated 2025-06-17.

Conditions:
Hereditary cancer-predisposing syndrome. Also called: Hereditary neoplastic syndrome; Neoplastic Syndromes, Hereditary; Hereditary Cancer Syndrome; Tumor predisposition. Identifiers: Orphanet 140162, MedGen C0027672, MeSH D009386, MONDO:0015356.

Allele frequency attached by ClinVar (database versions not stated): ExAC 0.00001; ESP Exome Variant Server 0.00008.

Submissions (2):

Labcorp Genetics (formerly Invitae), Labcorp
Classification: Uncertain significance. Last evaluated: 2025-06-17. Review status: criteria provided, single submitter. Criteria: Invitae Variant Classification Sherloc (09022015). Collection method: clinical testing. Allele origin: germline.
Comment: This sequence change replaces alanine, which is neutral and non-polar, with valine, which is neutral and non-polar, at codon 596 of the MSH3 protein (p.Ala596Val). This variant is present in population databases (rs148162799, gnomAD 0.0009%). This variant has not been reported in the literature in individuals affected with MSH3-related conditions. ClinVar contains an entry for this variant (Variation ID: 1485339). An algorithm developed to predict the effect of missense changes on protein structure and function (PolyPhen-2) suggests that this variant is likely to be disruptive. In summary, the available evidence is currently insufficient to determine the role of this variant in disease. Therefore, it has been classified as a Variant of Uncertain Significance.

Ambry Genetics
Classification: Uncertain significance for Hereditary cancer-predisposing syndrome. Last evaluated: 2023-02-28. Review status: criteria provided, single submitter. Criteria: Ambry Variant Classification Scheme 2023. Collection method: clinical testing. Allele origin: germline.
Comment: The p.A596V variant (also known as c.1787C>T), located in coding exon 13 of the MSH3 gene, results from a C to T substitution at nucleotide position 1787. The alanine at codon 596 is replaced by valine, an amino acid with similar properties. This amino acid position is conserved. In addition, this alteration is predicted to be deleterious by in silico analysis. Since supporting evidence is limited at this time, the clinical significance of this alteration remains unclear.